The following is an entry in ClinVar:

NC_000006.12:g.7673126T>C

Gene: BMP6 (bone morphogenetic protein 6; plus strand). Cytogenetic location: 6p24.3.
Variant type: single nucleotide variant.
Genome position: GRCh38 VCF-style: chr6-7673126-T-C. GRCh37 (hg19) VCF-style: chr6-7673359-T-C.
Identifiers: ClinVar variation 2498185 (VCV002498185.8), dbSNP rs143007713, ClinGen allele CA134520732.

ClinVar aggregate classification (germline): Conflicting classifications of pathogenicity. Review status: criteria provided, conflicting classifications (1 of 4 stars). 2 submissions from 2 submitters: Uncertain significance (1); Likely benign (1). Last evaluated 2026-08-01.

Conditions:
Neonatal hemochromatosis. Also called: NEONATAL HEPATITIS; ALLOIMMUNE HEPATITIS, CONGENITAL. Identifiers: Orphanet 446, MedGen C0268059, MONDO:0009275, OMIM 231100.

Allele frequency attached by ClinVar (database versions not stated): 1000 Genomes Project 0.00140; 1000 Genomes Project 30x 0.00156; gnomAD 0.00479; TOPMed 0.00485.

Submissions (2):

CeGaT Center for Human Genetics Tuebingen
Classification: Likely benign. Last evaluated: 2026-08-01. Review status: criteria provided, single submitter. Criteria: CeGaT Center For Human Genetics Tuebingen Variant Classification Criteria Version 2. Collection method: clinical testing. Allele origin: germline. Affected: yes. Observed: 4 variant alleles.
Comment: BMP6: BS1

Oxford Medical Genetics Laboratories, Oxford University Hospitals NHS Foundation Trust
Classification: Uncertain significance for Neonatal hemochromatosis. Last evaluated: 2023-03-23. Review status: criteria provided, single submitter. Criteria: ACMG Guidelines, 2015. Collection method: clinical testing. Allele origin: germline. Affected: yes.